The following is an entry in ClinVar:

ClinVar aggregate classification (germline): Pathogenic (1 of 4 stars; one submission).

Submission:

ISCA site 4
Classification: Pathogenic. Last evaluated: 2011-08-12. Review status: criteria provided, single submitter. Criteria: Kaminsky et al. (Genet Med. 2011). Collection method: clinical testing. Allele origin: unknown. Affected: yes. Observed: 1 variant allele.
Comment: Copy number variation identified through the course of routine clinical cytogenomic testing in postnatal populations. Clinical assertions have been curated as described in Kaminsky et al. 2011.

GRCh38/hg38 7q11.21-11.22(chr7:64657050-72243063)x1

Genes: ASL (argininosuccinate lyase; plus strand), AUTS2 (activator of transcription and developmental regulator AUTS2; plus strand), CALN1 (calneuron 1; minus strand), CRCP (CGRP receptor component; plus strand), CT66 (cancer/testis associated transcript 66; minus strand) and 155 more. Cytogenetic location: 7q11.21-11.22.
Variant type: copy number loss.
Change: copy number 1 (one copy instead of two) of chr7:64,657,050-72,243,063 (7.59 Mb, GRCh38 coordinates, 1-based), cytogenetic band 7q11.21-11.22.
Identifiers: ClinVar variation 57022 (VCV000057022.1).